The following is an entry in ClinVar:

ClinVar aggregate classification (germline): Uncertain significance (1 of 4 stars; one submission).

Submission:

Labcorp Genetics (formerly Invitae), Labcorp
Classification: Uncertain significance. Last evaluated: 2024-09-06. Review status: criteria provided, single submitter. Criteria: Invitae Variant Classification Sherloc (09022015). Collection method: clinical testing. Allele origin: germline.
Comment: This sequence change replaces proline, which is neutral and non-polar, with threonine, which is neutral and polar, at codon 1404 of the COL27A1 protein (p.Pro1404Thr). This variant is not present in population databases (gnomAD no frequency). This variant has not been reported in the literature in individuals affected with COL27A1-related conditions. ClinVar contains an entry for this variant (Variation ID: 1957220). Invitae Evidence Modeling of protein sequence and biophysical properties (such as structural, functional, and spatial information, amino acid conservation, physicochemical variation, residue mobility, and thermodynamic stability) indicates that this missense variant is not expected to disrupt COL27A1 protein function with a negative predictive value of 80%. In summary, the available evidence is currently insufficient to determine the role of this variant in disease. Therefore, it has been classified as a Variant of Uncertain Significance.

NM_032888.4(COL27A1):c.4210C>A (p.Pro1404Thr)

Gene: COL27A1 (collagen type XXVII alpha 1 chain; plus strand). Cytogenetic location: 9q32.
Variant type: single nucleotide variant.
Coding change: c.4210C>A on transcript NM_032888.4 (MANE Select); coding-DNA position 4210, C replaced by A.
Protein change: p.Pro1404Thr; replaces proline 1404 with threonine.
Molecular consequence: missense variant.
Genome position (GRCh38, 1-based): chr9:114,290,061, C>A. VCF-style: chr9-114290061-C-A. GRCh37 (hg19) VCF-style: chr9-117052341-C-A.
Other names: short protein forms P1404T.
Identifiers: ClinVar variation 1957220 (VCV001957220.5), dbSNP rs2490277099, ClinGen allele CA374587060.
Genomic context (GRCh38, chr9:114,290,061, plus strand): 5'-CCTAGGGTCCCACACCTCTACCAGGCAGCCTCCATCATGTGGCCCTTGATTTTTCAGGGA[C>A]CAAAGGGAAAGCAAGGCAAGGCAGGGGCCCCAGGCCGGAGGGGGGTCCAGGTGAGTGACT-3'
Protein context (NP_116277.2, residues 1394-1414): GPKGSKGAEG[Pro1404Thr]KGKQGKAGAP